The following is an entry in ClinVar:

ClinVar aggregate classification (germline): Uncertain significance. Review status: criteria provided, multiple submitters, no conflicts (2 of 4 stars). 2 submissions from 2 submitters: Uncertain significance (2). Last evaluated 2025-03-01.

Conditions:
Inborn genetic diseases. Identifiers: MedGen C0950123, MeSH D030342.

gnomAD v4.1: 1 of 1,595,804 alleles (0.000063%); highest among the groups gnomAD compares: Non-Finnish European, 0.000085%; no homozygotes.

Submissions (2):

Ambry Genetics
Classification: Uncertain significance for Inborn genetic diseases. Last evaluated: 2025-03-01. Review status: criteria provided, single submitter. Criteria: Ambry Variant Classification Scheme 2023. Collection method: clinical testing. Allele origin: germline.

GeneDx
Classification: Uncertain significance. Last evaluated: 2024-06-07. Review status: criteria provided, single submitter. Criteria: GeneDx Variant Classification Process June 2021. Collection method: clinical testing. Allele origin: germline. Affected: yes.
Comment: Not observed at significant frequency in large population cohorts (gnomAD); In silico analysis supports that this missense variant has a deleterious effect on protein structure/function; Has not been previously published as pathogenic or benign to our knowledge

NM_001378457.1(DMXL2):c.1631C>T (p.Ser544Phe)

Gene: DMXL2 (Dmx like 2; minus strand). Cytogenetic location: 15q21.2.
Variant type: single nucleotide variant.
Coding change: c.1631C>T on transcript NM_001378457.1 (MANE Select); coding-DNA position 1631, C replaced by T.
Protein change: p.Ser544Phe; replaces serine 544 with phenylalanine.
Molecular consequence: missense variant. On other transcripts: non-coding transcript variant (2).
Genome position (GRCh38, 1-based): chr15:51,536,849, G>A on the plus strand (C>T on the coding strand, the complement: DMXL2 is on the minus strand). VCF-style: chr15-51536849-G-A. GRCh37 (hg19) VCF-style: chr15-51829046-G-A.
Other names: c.1631C>T, p.Ser544Phe (NM_001174116.3, NM_001174117.3, NM_001378458.1 and 6 more transcripts); c.1391C>T, p.Ser464Phe (NM_001378464.1); short protein forms S464F, S544F.
Identifiers: ClinVar variation 3384522 (VCV003384522.2).